The following is an entry in ClinVar:

NM_002500.5(NEUROD1):c.476C>T (p.Ser159Leu)

Gene: NEUROD1 (neuronal differentiation 1; minus strand). Cytogenetic location: 2q31.3.
Variant type: single nucleotide variant.
Coding change: c.476C>T on transcript NM_002500.5 (MANE Select); coding-DNA position 476, C replaced by T.
Protein change: p.Ser159Leu; replaces serine 159 with leucine.
Molecular consequence: missense variant.
Genome position (GRCh38, 1-based): chr2:181,678,385, G>A on the plus strand (C>T on the coding strand, the complement: NEUROD1 is on the minus strand). VCF-style: chr2-181678385-G-A. GRCh37 (hg19) VCF-style: chr2-182543112-G-A.
Other names: short protein forms S159L.
Identifiers: ClinVar variation 4769280 (VCV004769280.1).

ClinVar aggregate classification (germline): Uncertain significance (1 of 4 stars; one submission).

Submission:

Labcorp Genetics (formerly Invitae), Labcorp
Classification: Uncertain significance. Last evaluated: 2025-11-23. Review status: criteria provided, single submitter. Criteria: Invitae Variant Classification Sherloc (09022015). Collection method: clinical testing. Allele origin: germline.
Comment: This sequence change replaces serine, which is neutral and polar, with leucine, which is neutral and non-polar, at codon 159 of the NEUROD1 protein (p.Ser159Leu). This variant is not present in population databases (gnomAD no frequency). This missense change has been observed in individual(s) with maturity onset diabetes of the young (internal data). Invitae Evidence Modeling of protein sequence and biophysical properties (such as structural, functional, and spatial information, amino acid conservation, physicochemical variation, residue mobility, and thermodynamic stability) indicates that this missense variant is not expected to disrupt NEUROD1 protein function with a negative predictive value of 80%. This variant disrupts the p.Ser159 amino acid residue in NEUROD1. Other variant(s) that disrupt this residue have been observed in individuals with NEUROD1-related conditions (PMID: 17440689), which suggests that this may be a clinically significant amino acid residue. In summary, the available evidence is currently insufficient to determine the role of this variant in disease. Therefore, it has been classified as a Variant of Uncertain Significance.

Literature cited by the submitters: PubMed 17440689.